The following is an entry in ClinVar:

NM_145290.4(ADGRA3):c.1465A>T (p.Ile489Phe)

Gene: ADGRA3 (adhesion G protein-coupled receptor A3; minus strand). Cytogenetic location: 4p15.2.
Variant type: single nucleotide variant.
Coding change: c.1465A>T on transcript NM_145290.4 (MANE Select); coding-DNA position 1465, A replaced by T.
Protein change: p.Ile489Phe; replaces isoleucine 489 with phenylalanine.
Molecular consequence: missense variant.
Genome position (GRCh38, 1-based): chr4:22,424,331, T>A on the plus strand (A>T on the coding strand, the complement: ADGRA3 is on the minus strand). VCF-style: chr4-22424331-T-A. GRCh37 (hg19) VCF-style: chr4-22425954-T-A.
Other names: short protein forms I489F.
Identifiers: ClinVar variation 1920805 (VCV001920805.5), dbSNP rs752027303, ClinGen allele CA2873942.

ClinVar aggregate classification (germline): Uncertain significance (1 of 4 stars; one submission).

Allele frequency attached by ClinVar (database versions not stated): ExAC 0.00001; TOPMed 0.00001.
gnomAD v4.1: 5 of 1,613,486 alleles (0.00031%); highest among the groups gnomAD compares: African/African-American, 0.0013%; no homozygotes.

Submission:

Labcorp Genetics (formerly Invitae), Labcorp
Classification: Uncertain significance. Last evaluated: 2024-03-05. Review status: criteria provided, single submitter. Criteria: Invitae Variant Classification Sherloc (09022015). Collection method: clinical testing. Allele origin: germline.
Comment: This sequence change replaces isoleucine, which is neutral and non-polar, with phenylalanine, which is neutral and non-polar, at codon 489 of the ADGRA3 protein (p.Ile489Phe). This variant is present in population databases (rs752027303, gnomAD 0.004%). This variant has not been reported in the literature in individuals affected with ADGRA3-related conditions. ClinVar contains an entry for this variant (Variation ID: 1920805). An algorithm developed to predict the effect of missense changes on protein structure and function (PolyPhen-2) suggests that this variant is likely to be tolerated. In summary, the available evidence is currently insufficient to determine the role of this variant in disease. Therefore, it has been classified as a Variant of Uncertain Significance.